The following is an entry in ClinVar:

ClinVar aggregate classification (germline): Likely benign. Review status: criteria provided, multiple submitters, no conflicts (2 of 4 stars). 2 submissions from 2 submitters: Likely benign (2). Last evaluated 2016-03-28.

Submissions (2):

Laboratory for Molecular Medicine, Mass General Brigham Personalized Medicine
Classification: Likely benign. Last evaluated: 2016-03-28. Review status: criteria provided, single submitter. Criteria: LMM Criteria. Collection method: clinical testing. Allele origin: germline.
Comment: Variant identified in a genome or exome case(s) and assessed due to predicted null impact of the variant or pathogenic assertions in the literature or databases. Disclaimer: This variant has not undergone full assessment. The following are preliminary notes: Silent variant not near splice site

Breakthrough Genomics
Classification: Likely benign. Review status: criteria provided, single submitter. Criteria: ACMG Guidelines, 2015. Collection method: not provided. Allele origin: germline. Inheritance: Autosomal recessive inheritance. Affected: yes.

NM_001426.4(EN1):c.228A>C (p.Pro76=)

Gene: EN1 (engrailed homeobox 1; minus strand). Cytogenetic location: 2q14.2.
Variant type: single nucleotide variant.
Coding change: c.228A>C on transcript NM_001426.4 (MANE Select); coding-DNA position 228, A replaced by C.
Protein change: p.Pro76=; no amino-acid change (proline 76 retained).
Molecular consequence: synonymous variant.
Genome position (GRCh38, 1-based): chr2:118,846,940, T>G on the plus strand (A>C on the coding strand, the complement: EN1 is on the minus strand). VCF-style: chr2-118846940-T-G. GRCh37 (hg19) VCF-style: chr2-119604516-T-G.
Identifiers: ClinVar variation 402827 (VCV000402827.5), dbSNP rs749569923, ClinGen allele CA16609713.